The following is an entry in ClinVar:

ClinVar aggregate classification (germline): Pathogenic (1 of 4 stars; one submission).

Allele frequency attached by ClinVar (database versions not stated): gnomAD exomes below 0.00001.
gnomAD v4.1: 2 of 1,611,642 alleles (0.00012%); highest among the groups gnomAD compares: Non-Finnish European, 0.00017%; no homozygotes.

Submission:

Labcorp Genetics (formerly Invitae), Labcorp
Classification: Pathogenic. Last evaluated: 2023-12-12. Review status: criteria provided, single submitter. Criteria: Invitae Variant Classification Sherloc (09022015). Collection method: clinical testing. Allele origin: germline.
Comment: This sequence change creates a premature translational stop signal (p.Tyr1902*) in the DNAH9 gene. It is expected to result in an absent or disrupted protein product. Loss-of-function variants in DNAH9 are known to be pathogenic (PMID: 30471718). This variant is present in population databases (no rsID available, gnomAD 0.0009%). This variant has not been reported in the literature in individuals affected with DNAH9-related conditions. For these reasons, this variant has been classified as Pathogenic.

Literature cited by the submitters: PubMed 30471718.

NM_001372.4(DNAH9):c.5706C>G (p.Tyr1902Ter)

Gene: DNAH9 (dynein axonemal heavy chain 9; plus strand). Cytogenetic location: 17p12.
Variant type: single nucleotide variant.
Coding change: c.5706C>G on transcript NM_001372.4 (MANE Select); coding-DNA position 5706, C replaced by G.
Protein change: p.Tyr1902Ter; replaces tyrosine 1902 with a stop codon.
Molecular consequence: nonsense.
Genome position (GRCh38, 1-based): chr17:11,719,487, C>G. VCF-style: chr17-11719487-C-G. GRCh37 (hg19) VCF-style: chr17-11622804-C-G.
Other names: short protein forms Y1902*.
Identifiers: ClinVar variation 2702292 (VCV002702292.3), dbSNP rs1460199079, ClinGen allele CA398188038.